The following is an entry in ClinVar:

NM_001315494.2(MYMX):c.102C>G (p.Arg34=)

Gene: MYMX (myomixer, myoblast fusion factor; plus strand). Cytogenetic location: 6p21.1.
Variant type: single nucleotide variant.
Coding change: c.102C>G on transcript NM_001315494.2 (MANE Select); coding-DNA position 102, C replaced by G.
Protein change: p.Arg34=; no amino-acid change (arginine 34 retained).
Molecular consequence: synonymous variant.
Genome position (GRCh38, 1-based): chr6:44,217,573, C>G. VCF-style: chr6-44217573-C-G. GRCh37 (hg19) VCF-style: chr6-44185310-C-G.
Other names: c.102C>G, p.Arg34= (NM_001347931.2).
Identifiers: ClinVar variation 4820843 (VCV004820843.4).
Genomic context (GRCh38, chr6:44,217,573, plus strand): 5'-GTCCTGCCTGCTGCTGCCTGCTGCCCGCCTGGCCCGCCAATACCTCCTGCCCCTGCTGCG[C>G]CGATTGGCCCGCCGCCTGGGCTCCCAGGACATGCGAGAGGCTTTGCTGGGCTGTCTGCTG-3'
Protein context (NP_001302423.1, residues 24-44): LARQYLLPLL[Arg34=]RLARRLGSQD

ClinVar aggregate classification (germline): Likely benign (1 of 4 stars; one submission).

gnomAD v4.1: 166 of 402,472 alleles (0.041%); highest among the groups gnomAD compares: Middle Eastern, 1.6%; 3 homozygotes.

Submission:

CeGaT Center for Human Genetics Tuebingen
Classification: Likely benign. Last evaluated: 2026-01-01. Review status: criteria provided, single submitter. Criteria: CeGaT Center For Human Genetics Tuebingen Variant Classification Criteria Version 2. Collection method: clinical testing. Allele origin: germline. Affected: yes. Observed: 1 variant allele.
Comment: MYMX: BP4, BP7